The following is an entry in ClinVar:

NM_001148.6(ANK2):c.1876_1881+4delinsT

Gene: ANK2 (ankyrin 2; plus strand). Cytogenetic location: 4q26.
Variant type: Indel.
Coding change: c.1876_1881+4delinsT on transcript NM_001148.6 (MANE Select); coding-DNA position 1876 through 4 bases into the intron after coding-DNA position 1881, GCCAAGGTGA replaced by T.
Molecular consequence: splice donor variant. On other transcripts: intron variant (10).
Genome position (GRCh38, 1-based): chr4:113,278,553-113,278,562, GCCAAGGTGA replaced by T. VCF-style: chr4-113278553-GCCAAGGTGA-T. GRCh37 (hg19) VCF-style: chr4-114199709-GCCAAGGTGA-T.
Other names: c.1864_1869+4delinsT (NM_001386186.2, NM_001386148.2); c.1666_1671+4delinsT (NM_001354269.3); c.1840_1845+4delinsT (NM_001386187.2); c.1834_1839+4delinsT (NM_001386147.1, NM_001386160.1, NM_001354261.2); c.1813_1818+4delinsT (NM_001354254.2, NM_001354239.2, NM_001354252.2 and 10 more transcripts); c.1719+618_1719+627delinsT (NM_001354253.2, NM_001354270.2, NM_001354257.2 and 1 more transcripts); c.1789_1794+4delinsT (NM_001354249.2, NM_001354266.2, NM_001354276.2 and 10 more transcripts); c.1695+618_1695+627delinsT (NM_001386151.1, NM_001354260.2, NM_001354271.2); and 8 more.
Identifiers: ClinVar variation 373309 (VCV000373309.1), dbSNP rs1057518342, ClinGen allele CA16042537.
Genomic context (GRCh38, chr4:113,278,553, plus strand): 5'-TATGACAACCAGAAGGTGGCGCTGCTGTTACTGGAGAAGGGTGCTTCCCCTCATGCCACT[GCCAAGGTGA>T]GGACCACAGAAAAGGATTTACAGGCATAGGGTGTAACTATCGCCTGAAAACACATGAGAA-3'

ClinVar aggregate classification (germline): Uncertain significance (1 of 4 stars; one submission).

Submission:

GeneDx
Classification: Uncertain significance. Last evaluated: 2016-11-22. Review status: criteria provided, single submitter. Criteria: GeneDx Variant Classification (06012015). Collection method: clinical testing. Allele origin: germline. Affected: yes.
Comment: A variant of uncertain significance has been identified in the ANK2 gene. The c.1876_1881+4del10insT variant has not been published as a pathogenic variant, nor has it been reported as a benign variant to our knowledge. This variant was not observed in approximately 6,500 individuals of European and African American ancestry in the NHLBI Exome Sequencing Project, indicating it is not a common benign variant in these populations. The c.1876_1881+4del10insT variant destroys the canonical splice donor site in intron 17 and is predicted to cause abnormal gene splicing. This variant is predicted to lead to either an abnormal message that is subject to nonsense-mediated mRNA decay, or to an abnormal protein product if the message is used for protein translation. However, the majority of pathogenic variants in the ANK2 gene that have been reported in HGMD in association with arrhythmias are missense changes (Stenson et al., 2014), indicating haploinsufficiency of ANK2 may not be sufficient to cause disease.Therefore, based on the currently available information, it is unclear whether this variant is pathogenic or rare benign.